The following is an entry in ClinVar:

NM_000486.6(AQP2):c.*907C>T

Genes: AQP2 (aquaporin 2; plus strand), AQP5-AS1 (AQP5 and AQP2 antisense RNA 2; minus strand). Cytogenetic location: 12q13.12.
Variant type: single nucleotide variant.
Coding change: c.*907C>T on transcript NM_000486.6 (MANE Select); 907 bases downstream of the stop codon, C replaced by T.
Molecular consequence: 3 prime UTR variant.
Genome position (GRCh38, 1-based): chr12:49,956,515, C>T. VCF-style: chr12-49956515-C-T. GRCh37 (hg19) VCF-style: chr12-50350298-C-T.
Identifiers: ClinVar variation 309246 (VCV000309246.5), dbSNP rs60887132, ClinGen allele CA10633040.
Genomic context (GRCh38, chr12:49,956,515, plus strand): 5'-CCAAAGAGGAAGCAGGCATATGAGTGCGCACGCCTTCACGTGTGTGTATGCTGTGTGTGC[C>T]CGGGACCCCCGTCTCCAGGGGTGCCCCAGACCCAGAGATTAGCCTCCCACTTCGGCGCAG-3'

ClinVar aggregate classification (germline): Benign (1 of 4 stars; one submission).

Conditions:
Diabetes insipidus, nephrogenic, autosomal (NDI2). Also called: Nephrogenic Diabetes Insipidus, Type II; Diabetes insipidus, nephrogenic, 2, autosomal. Identifiers: Orphanet 223, MedGen C1563706, MONDO:0007451, OMIM 125800.

Allele frequency attached by ClinVar (database versions not stated): 1000 Genomes Project 0.01418; TOPMed 0.01471; gnomAD 0.01480; 1000 Genomes Project 30x 0.01530.

Submission:

Illumina Laboratory Services, Illumina
Classification: Benign for Diabetes insipidus, nephrogenic, autosomal. Last evaluated: 2018-01-12. Review status: criteria provided, single submitter. Criteria: ICSL Variant Classification Criteria 13 December 2019. Collection method: clinical testing. Allele origin: germline.
Comment: This variant was observed in the ICSL laboratory as part of a predisposition screen in an ostensibly healthy population. It had not been previously curated by ICSL or reported in the Human Gene Mutation Database (HGMD: prior to June 1st, 2018), and was therefore a candidate for classification through an automated scoring system. Utilizing variant allele frequency, disease prevalence and penetrance estimates, and inheritance mode, an automated score was calculated to assess if this variant is too frequent to cause the disease. Based on the score and internal cut-off values, a variant classified as benign is not then subjected to further curation. The score for this variant resulted in a classification of benign for this disease.